The following is an entry in ClinVar:

ClinVar aggregate classification (germline): Uncertain significance (1 of 4 stars; one submission).

gnomAD v4.1: 17 of 1,613,198 alleles (0.0011%); highest among the groups gnomAD compares: Non-Finnish European, 0.0014%; no homozygotes.

Submission:

Ambry Genetics
Classification: Uncertain significance. Last evaluated: 2024-10-17. Review status: criteria provided, single submitter. Criteria: Ambry Variant Classification Scheme 2023. Collection method: clinical testing. Allele origin: germline.
Comment: The p.E37G variant (also known as c.110A>G), located in coding exon 2 of the RAD51B gene, results from an A to G substitution at nucleotide position 110. The glutamic acid at codon 37 is replaced by glycine, an amino acid with similar properties. This amino acid position is conserved. In addition, this alteration is predicted to be tolerated by in silico analysis. Based on the available evidence, the clinical significance of this variant remains unclear.

NM_133510.4(RAD51B):c.110A>G (p.Glu37Gly)

Gene: RAD51B (RAD51 paralog B; plus strand). Cytogenetic location: 14q24.1.
Variant type: single nucleotide variant.
Coding change: c.110A>G on transcript NM_133510.4 (MANE Select); coding-DNA position 110, A replaced by G.
Protein change: p.Glu37Gly; replaces glutamic acid 37 with glycine.
Molecular consequence: missense variant. On other transcripts: 5 prime UTR variant (2).
Genome position (GRCh38, 1-based): chr14:67,825,489, A>G. VCF-style: chr14-67825489-A-G. GRCh37 (hg19) VCF-style: chr14-68292206-A-G.
Other names: c.110A>G, p.Glu37Gly (NM_001321809.2, NM_001321810.2, NM_001321812.1 and 6 more transcripts); c.-5A>G (NM_001321815.1); c.-346A>G (NM_001321817.2); short protein forms E37G.
Identifiers: ClinVar variation 3429614 (VCV003429614.1).